The following is an entry in ClinVar:

ClinVar aggregate classification (germline): Uncertain significance (1 of 4 stars; one submission).

Conditions:
TH-deficient dopa-responsive dystonia. Also called: DYT-TH; Tyrosine Hydroxylase-Deficient Dopa-Responsive Dystonia; Segawa syndrome, autosomal recessive. Identifiers: Orphanet 101150, MedGen C2673535, MONDO:0011551, OMIM 605407.

Submission:

Labcorp Genetics (formerly Invitae), Labcorp
Classification: Uncertain significance for TH-deficient dopa-responsive dystonia. Last evaluated: 2021-08-31. Review status: criteria provided, single submitter. Criteria: Invitae Variant Classification Sherloc (09022015). Collection method: clinical testing. Allele origin: germline.
Comment: This sequence change replaces phenylalanine with leucine at codon 463 of the TH protein (p.Phe463Leu). The phenylalanine residue is highly conserved and there is a small physicochemical difference between phenylalanine and leucine. This variant is not present in population databases (ExAC no frequency). This variant has not been reported in the literature in individuals affected with TH-related conditions. Algorithms developed to predict the effect of missense changes on protein structure and function are either unavailable or do not agree on the potential impact of this missense change (SIFT: "Deleterious"; PolyPhen-2: "Probably Damaging"; Align-GVGD: "Class C15"). In summary, the available evidence is currently insufficient to determine the role of this variant in disease. Therefore, it has been classified as a Variant of Uncertain Significance.

NM_000360.4(TH):c.1296C>A (p.Phe432Leu)

Gene: TH (tyrosine hydroxylase; minus strand). Cytogenetic location: 11p15.5.
Variant type: single nucleotide variant.
Coding change: c.1296C>A on transcript NM_000360.4 (MANE Select); coding-DNA position 1296, C replaced by A.
Protein change: p.Phe432Leu; replaces phenylalanine 432 with leucine.
Molecular consequence: missense variant.
Genome position (GRCh38, 1-based): chr11:2,165,270, G>T on the plus strand (C>A on the coding strand, the complement: TH is on the minus strand). VCF-style: chr11-2165270-G-T. GRCh37 (hg19) VCF-style: chr11-2186500-G-T.
Other names: c.1389C>A, p.Phe463Leu (NM_199292.3); c.1377C>A, p.Phe459Leu (NM_199293.3); short protein forms F432L, F459L, F463L.
Identifiers: ClinVar variation 1012113 (VCV001012113.2), dbSNP rs760210103, ClinGen allele CA379125004.